The following is an entry in ClinVar:

ClinVar aggregate classification (germline): Benign (0 of 4 stars; one submission).

Conditions:
SPEN-related disorder. Also called: SPEN-related condition.

Allele frequency attached by ClinVar (database versions not stated): 1000 Genomes Project 30x 0.04357; 1000 Genomes Project 0.04473; ExAC 0.06585; TOPMed 0.06706; gnomAD 0.07103; gnomAD exomes 0.07462; ESP Exome Variant Server 0.07627.
gnomAD v4.1: 118,509 of 1,599,802 alleles (7.4%); highest among the groups gnomAD compares: Non-Finnish European, 8.1%; 4,821 homozygotes.

Submission:

PreventionGenetics, part of Exact Sciences
Classification: Benign for SPEN-related condition. Last evaluated: 2024-03-12. Review status: no assertion criteria provided. Collection method: clinical testing. Allele origin: germline.
Comment: This variant is classified as benign based on ACMG/AMP sequence variant interpretation guidelines (Richards et al. 2015 PMID: 25741868, with internal and published modifications).

NM_015001.3(SPEN):c.10977T>A (p.Ile3659=)

Gene: SPEN (spen family transcriptional repressor; plus strand). Cytogenetic location: 1p36.13.
Variant type: single nucleotide variant.
Coding change: c.10977T>A on transcript NM_015001.3 (MANE Select); coding-DNA position 10977, T replaced by A.
Protein change: p.Ile3659=; no amino-acid change (isoleucine 3659 retained).
Molecular consequence: synonymous variant.
Genome position (GRCh38, 1-based): chr1:15,939,409, T>A. VCF-style: chr1-15939409-T-A. GRCh37 (hg19) VCF-style: chr1-16265904-T-A.
Identifiers: ClinVar variation 3056643 (VCV003056643.2), dbSNP rs41269155, ClinGen allele CA620874.